The following is an entry in ClinVar:

NM_001853.4(COL9A3):c.779C>T (p.Ala260Val)

Gene: COL9A3 (collagen type IX alpha 3 chain; plus strand). Cytogenetic location: 20q13.33.
Variant type: single nucleotide variant.
Coding change: c.779C>T on transcript NM_001853.4 (MANE Select); coding-DNA position 779, C replaced by T.
Protein change: p.Ala260Val; replaces alanine 260 with valine.
Molecular consequence: missense variant.
Genome position (GRCh38, 1-based): chr20:62,826,807, C>T. VCF-style: chr20-62826807-C-T. GRCh37 (hg19) VCF-style: chr20-61458159-C-T.
Other names: short protein forms A260V.
Identifiers: ClinVar variation 1062318 (VCV001062318.14), dbSNP rs147134081, ClinGen allele CA9949492.

ClinVar aggregate classification (germline): Conflicting classifications of pathogenicity. Review status: criteria provided, conflicting classifications (1 of 4 stars). 5 submissions from 5 submitters: Uncertain significance (3); Benign (1); Likely benign (1). Last evaluated 2026-01-02.

Conditions:
Inborn genetic diseases. Identifiers: MedGen C0950123, MeSH D030342.

Allele frequency attached by ClinVar (database versions not stated): gnomAD exomes 0.00004 and 0.00009; ExAC 0.00012; gnomAD 0.00029 and 0.00031; TOPMed 0.00036; ESP Exome Variant Server 0.00054.
gnomAD v4.1: 101 of 1,612,796 alleles (0.0063%); highest among the groups gnomAD compares: African/African-American, 0.095%; 1 homozygote.

Submissions (5):

Labcorp Genetics (formerly Invitae), Labcorp
Classification: Likely benign. Last evaluated: 2026-01-02. Review status: criteria provided, single submitter. Criteria: Invitae Variant Classification Sherloc (09022015). Collection method: clinical testing. Allele origin: germline.

Women's Health and Genetics/Laboratory Corporation of America, LabCorp
Classification: Uncertain significance. Last evaluated: 2025-04-08. Review status: criteria provided, single submitter. Criteria: LabCorp Variant Classification Summary - May 2015. Collection method: clinical testing. Allele origin: germline.
Comment: Variant summary: COL9A3 c.779C>T (p.Ala260Val) results in a non-conservative amino acid change in the encoded protein sequence. Two of three in-silico tools predict a benign effect of the variant on protein function. The variant allele was found at a frequency of 8.8e-05 in 249100 control chromosomes in the gnomAD database, including 1 homozygotes. This frequency is not significantly higher than estimated for a pathogenic variant in COL9A3 causing Epiphyseal Dysplasia, Multiple, 3, allowing no conclusion about variant significance. To our knowledge, no occurrence of c.779C>T in individuals affected with Epiphyseal Dysplasia, Multiple, 3 and no experimental evidence demonstrating its impact on protein function have been reported. ClinVar contains an entry for this variant (Variation ID: 1062318). Based on the evidence outlined above, the variant was classified as uncertain significance.

GeneDx
Classification: Uncertain significance. Last evaluated: 2024-09-01. Review status: criteria provided, single submitter. Criteria: GeneDx Variant Classification Process June 2021. Collection method: clinical testing. Allele origin: germline. Affected: yes.
Comment: Has not been previously published as pathogenic or benign to our knowledge; In silico analysis indicates that this missense variant does not alter protein structure/function

Ambry Genetics
Classification: Uncertain significance for Inborn genetic diseases. Last evaluated: 2024-07-02. Review status: criteria provided, single submitter. Criteria: Ambry Variant Classification Scheme 2023. Collection method: clinical testing. Allele origin: germline.

Blueprint Genetics
Classification: Benign. Last evaluated: 2021-08-19. Review status: criteria provided, single submitter. Criteria: ACMG Guidelines, 2015. Collection method: clinical testing. Allele origin: germline.